The following is an entry in ClinVar:

NM_014334.4(FRRS1L):c.131G>A (p.Gly44Glu)

Gene: FRRS1L (ferric chelate reductase 1 like; minus strand). Cytogenetic location: 9q31.3.
Variant type: single nucleotide variant.
Coding change: c.131G>A on transcript NM_014334.4 (MANE Select); coding-DNA position 131, G replaced by A.
Protein change: p.Gly44Glu; replaces glycine 44 with glutamic acid.
Molecular consequence: missense variant.
Genome position (GRCh38, 1-based): chr9:109,167,008, C>T on the plus strand (G>A on the coding strand, the complement: FRRS1L is on the minus strand). VCF-style: chr9-109167008-C-T. GRCh37 (hg19) VCF-style: chr9-111929288-C-T.
Other names: short protein forms G44E.
Identifiers: ClinVar variation 939769 (VCV000939769.9), dbSNP rs1486045359, ClinGen allele CA374430441.

ClinVar aggregate classification (germline): Uncertain significance (1 of 4 stars; one submission).

Conditions:
Developmental and epileptic encephalopathy, 37 (DEE37). Also called: Epileptic encephalopathy, early infantile, 37. Identifiers: MedGen C4310770, MONDO:0014859, OMIM 616981.

Allele frequency attached by ClinVar (database versions not stated): TOPMed 0.00001.
gnomAD v4.1: 11 of 1,230,648 alleles (0.00089%); highest among the groups gnomAD compares: Non-Finnish European, 0.0011%; no homozygotes.

Submission:

Labcorp Genetics (formerly Invitae), Labcorp
Classification: Uncertain significance for Developmental and epileptic encephalopathy, 37. Last evaluated: 2025-12-21. Review status: criteria provided, single submitter. Criteria: Invitae Variant Classification Sherloc (09022015). Collection method: clinical testing. Allele origin: germline.
Comment: This sequence change replaces glycine, which is neutral and non-polar, with glutamic acid, which is acidic and polar, at codon 95 of the FRRS1L protein (p.Gly95Glu). The frequency data for this variant in the population databases is considered unreliable, as metrics indicate insufficient coverage at this position in the gnomAD database. This variant has not been reported in the literature in individuals affected with FRRS1L-related conditions. ClinVar contains an entry for this variant (Variation ID: 939769). An algorithm developed to predict the effect of missense changes on protein structure and function (PolyPhen-2) suggests that this variant is likely to be tolerated. In summary, the available evidence is currently insufficient to determine the role of this variant in disease. Therefore, it has been classified as a Variant of Uncertain Significance.